The following is an entry in ClinVar:

ClinVar aggregate classification (germline): Uncertain significance. Review status: criteria provided, multiple submitters, no conflicts (2 of 4 stars). 2 submissions from 2 submitters: Uncertain significance (2). Last evaluated 2024-06-04.

Conditions:
Hereditary cancer-predisposing syndrome. Also called: Neoplastic Syndromes, Hereditary; Tumor predisposition; Hereditary neoplastic syndrome; Hereditary Cancer Syndrome. Identifiers: Orphanet 140162, MedGen C0027672, MeSH D009386, MONDO:0015356.

Allele frequency attached by ClinVar (database versions not stated): gnomAD exomes below 0.00001 and 0.00001; ExAC 0.00001.

Submissions (2):

Labcorp Genetics (formerly Invitae), Labcorp
Classification: Uncertain significance. Last evaluated: 2024-06-04. Review status: criteria provided, single submitter. Criteria: Invitae Variant Classification Sherloc (09022015). Collection method: clinical testing. Allele origin: germline.
Comment: This sequence change replaces proline, which is neutral and non-polar, with leucine, which is neutral and non-polar, at codon 659 of the POLE protein (p.Pro659Leu). This variant is present in population databases (rs776787814, gnomAD 0.002%). This variant has not been reported in the literature in individuals affected with POLE-related conditions. ClinVar contains an entry for this variant (Variation ID: 837533). Advanced modeling of protein sequence and biophysical properties (such as structural, functional, and spatial information, amino acid conservation, physicochemical variation, residue mobility, and thermodynamic stability) has been performed at Invitae for this missense variant, however the output from this modeling did not meet the statistical confidence thresholds required to predict the impact of this variant on POLE protein function. In summary, the available evidence is currently insufficient to determine the role of this variant in disease. Therefore, it has been classified as a Variant of Uncertain Significance.

Ambry Genetics
Classification: Uncertain significance for Hereditary cancer-predisposing syndrome. Last evaluated: 2023-03-11. Review status: criteria provided, single submitter. Criteria: Ambry Variant Classification Scheme 2023. Collection method: clinical testing. Allele origin: germline.
Comment: The p.P659L variant (also known as c.1976C>T), located in coding exon 18 of the POLE gene, results from a C to T substitution at nucleotide position 1976. The proline at codon 659 is replaced by leucine, an amino acid with similar properties. This amino acid position is conserved. In addition, the in silico prediction for this alteration is inconclusive. Since supporting evidence is limited at this time, the clinical significance of this alteration remains unclear.

NM_006231.4(POLE):c.1976C>T (p.Pro659Leu)

Gene: POLE (DNA polymerase epsilon, catalytic subunit; minus strand). Cytogenetic location: 12q24.33.
Variant type: single nucleotide variant.
Coding change: c.1976C>T on transcript NM_006231.4 (MANE Select); coding-DNA position 1976, C replaced by T.
Protein change: p.Pro659Leu; replaces proline 659 with leucine.
Molecular consequence: missense variant.
Genome position (GRCh38, 1-based): chr12:132,668,685, G>A on the plus strand (C>T on the coding strand, the complement: POLE is on the minus strand). VCF-style: chr12-132668685-G-A. GRCh37 (hg19) VCF-style: chr12-133245271-G-A.
Other names: c.1976C>T (NM_006231.2); short protein forms P659L.
Identifiers: ClinVar variation 837533 (VCV000837533.8), dbSNP rs776787814, ClinGen allele CA6893745.